The following is an entry in ClinVar:

ClinVar aggregate classification (germline): Uncertain significance (1 of 4 stars; one submission).

Submission:

GeneDx
Classification: Uncertain significance. Last evaluated: 2014-06-02. Review status: criteria provided, single submitter. Criteria: GeneDx Variant Classification (06012015). Collection method: clinical testing. Allele origin: germline. Affected: yes.
Comment: Missense variants in the TTN gene are considered 'unclassified' if they are not previously reported in the literature and do not have >1% frequency in the population to be considered a polymorphism. Research indicates that truncating mutations in the TTN gene are expected to account for approximately 25% of familial and 18% of sporadic idiopathic DCM; however, truncating variants in the TTN gene have been reported in approximately 3% of reported control alleles. There has been little investigation into non-truncating variants. (Herman D et al. Truncations of titin causing dilated cardiomyopathy. N Eng J Med 366:619-628, 2012) The variant is found in CARDIOMYOPATHY panel(s).

NM_001267550.2(TTN):c.19469T>G (p.Met6490Arg)

Gene: TTN (titin; minus strand). Cytogenetic location: 2q31.2.
Variant type: single nucleotide variant.
Coding change: c.19469T>G on transcript NM_001267550.2 (MANE Select); coding-DNA position 19469, T replaced by G.
Protein change: p.Met6490Arg; replaces methionine 6490 with arginine.
Molecular consequence: missense variant. On other transcripts: intron variant (3).
Genome position (GRCh38, 1-based): chr2:178,728,355, A>C on the plus strand (T>G on the coding strand, the complement: TTN is on the minus strand). VCF-style: chr2-178728355-A-C. GRCh37 (hg19) VCF-style: chr2-179593082-A-C.
Other names: p.M6173R:ATG>AGG; c.18518T>G, p.Met6173Arg (NM_001256850.1); c.15737T>G, p.Met5246Arg (NM_133378.4); c.13282+9727T>G (NM_003319.4); c.13858+9727T>G (NM_133437.4); c.13657+9727T>G (NM_133432.3); short protein forms M6173R, M6490R, M5246R.
Identifiers: ClinVar variation 203278 (VCV000203278.2), dbSNP rs769527897, ClinGen allele CA311898.